The following is an entry in ClinVar:

NM_004813.4(PEX16):c.169C>T (p.Leu57Phe)

Gene: PEX16 (peroxisomal biogenesis factor 16; minus strand). Cytogenetic location: 11p11.2.
Variant type: single nucleotide variant.
Coding change: c.169C>T on transcript NM_004813.4 (MANE Select); coding-DNA position 169, C replaced by T.
Protein change: p.Leu57Phe; replaces leucine 57 with phenylalanine.
Molecular consequence: missense variant.
Genome position (GRCh38, 1-based): chr11:45,916,283, G>A on the plus strand (C>T on the coding strand, the complement: PEX16 is on the minus strand). VCF-style: chr11-45916283-G-A. GRCh37 (hg19) VCF-style: chr11-45937834-G-A.
Other names: c.169C>T, p.Leu57Phe (NM_057174.3); short protein forms L57F.
Identifiers: ClinVar variation 1475826 (VCV001475826.8), dbSNP rs1224855761, ClinGen allele CA380229202.

ClinVar aggregate classification (germline): Uncertain significance (1 of 4 stars; one submission).

Conditions:
Peroxisome biogenesis disorder. Identifiers: Orphanet 79189, MedGen C1832200, MONDO:0019234. Disease mechanism: loss of function.

Allele frequency attached by ClinVar (database versions not stated): gnomAD exomes below 0.00001.
gnomAD v4.1: 1 of 1,613,938 alleles (0.000062%); highest among the groups gnomAD compares: South Asian, 0.0011%; no homozygotes.

Submission:

Labcorp Genetics (formerly Invitae), Labcorp
Classification: Uncertain significance for Peroxisome biogenesis disorder. Last evaluated: 2021-05-14. Review status: criteria provided, single submitter. Criteria: Invitae Variant Classification Sherloc (09022015). Collection method: clinical testing. Allele origin: germline.
Comment: In summary, the available evidence is currently insufficient to determine the role of this variant in disease. Therefore, it has been classified as a Variant of Uncertain Significance. Algorithms developed to predict the effect of missense changes on protein structure and function are either unavailable or do not agree on the potential impact of this missense change (SIFT: "Deleterious"; PolyPhen-2: "Probably Damaging"; Align-GVGD: "Class C0"). This variant has not been reported in the literature in individuals with PEX16-related conditions. This variant is not present in population databases (ExAC no frequency). This sequence change replaces leucine with phenylalanine at codon 57 of the PEX16 protein (p.Leu57Phe). The leucine residue is highly conserved and there is a small physicochemical difference between leucine and phenylalanine.